The following is an entry in ClinVar:

ClinVar aggregate classification (germline): Likely benign (1 of 4 stars; one submission).

Conditions:
MITF-related disorder. Also called: MITF-related condition.

Submission:

PreventionGenetics, part of Exact Sciences
Classification: Likely benign for MITF-related condition. Last evaluated: 2026-01-11. Review status: criteria provided, single submitter. Criteria: ACMG Guidelines, 2015. Collection method: clinical testing. Allele origin: germline.
Comment: This variant is classified as likely benign based on ACMG/AMP sequence variant interpretation guidelines (Richards et al. 2015 PMID: 25741868, with internal and published modifications).

NM_001354604.2(MITF):c.105-8T>C

Gene: MITF (melanocyte inducing transcription factor; plus strand). Cytogenetic location: 3p13.
Variant type: single nucleotide variant.
Coding change: c.105-8T>C on transcript NM_001354604.2 (MANE Select); 8 bases into the intron before coding-DNA position 105, T replaced by C.
Molecular consequence: intron variant.
Genome position (GRCh38, 1-based): chr3:69,879,126, T>C. VCF-style: chr3-69879126-T-C. GRCh37 (hg19) VCF-style: chr3-69928277-T-C.
Other names: c.54-8T>C (NM_001354607.2); c.-52-8T>C (NM_001354608.2, NM_001184967.2); c.105-8T>C (NM_198159.3); c.105-11T>C (NM_001354605.2, NM_001354606.2); c.102-8T>C (NM_006722.3); c.57-8T>C (NM_198177.3).
Identifiers: ClinVar variation 4986898 (VCV004986898.1).